The following is an entry in ClinVar:

NM_012301.4(MAGI2):c.2142G>A (p.Pro714=)

Gene: MAGI2 (membrane associated guanylate kinase, WW and PDZ domain containing 2; minus strand). Cytogenetic location: 7q21.11.
Variant type: single nucleotide variant.
Coding change: c.2142G>A on transcript NM_012301.4 (MANE Select); coding-DNA position 2142, G replaced by A.
Protein change: p.Pro714=; no amino-acid change (proline 714 retained).
Molecular consequence: synonymous variant.
Genome position (GRCh38, 1-based): chr7:78,195,001, C>T on the plus strand (G>A on the coding strand, the complement: MAGI2 is on the minus strand). VCF-style: chr7-78195001-C-T. GRCh37 (hg19) VCF-style: chr7-77824318-C-T.
Other names: c.2142G>A, p.Pro714= (NM_001301128.2).
Identifiers: ClinVar variation 194084 (VCV000194084.19), dbSNP rs144574076, ClinGen allele CA239887.

ClinVar aggregate classification (germline): Conflicting classifications of pathogenicity. Review status: criteria provided, conflicting classifications (1 of 4 stars). 5 submissions from 5 submitters: Uncertain significance (1); Benign (2); Likely benign (1). 1 of the submissions does not count toward it. Last evaluated 2026-01-14.

Conditions:
MAGI2-related disorder. Also called: MAGI2-related condition.

Allele frequency attached by ClinVar (database versions not stated): 1000 Genomes Project 30x 0.00062; 1000 Genomes Project 0.00080; TOPMed 0.00142; gnomAD 0.00153 and 0.00156; ESP Exome Variant Server 0.00200; gnomAD exomes 0.00224; ExAC 0.00276.
gnomAD v4.1: 4,461 of 1,613,972 alleles (0.28%); highest among the groups gnomAD compares: Non-Finnish European, 0.34%; 11 homozygotes.

Submissions (5):

Labcorp Genetics (formerly Invitae), Labcorp
Classification: Benign. Last evaluated: 2026-01-14. Review status: criteria provided, single submitter. Criteria: Invitae Variant Classification Sherloc (09022015). Collection method: clinical testing. Allele origin: germline.

Blueprint Genetics
Classification: Likely benign. Last evaluated: 2024-11-25. Review status: criteria provided, single submitter. Criteria: ACMG Guidelines, 2015. Collection method: clinical testing. Allele origin: germline.

Athena Diagnostics
Classification: Benign. Last evaluated: 2024-03-04. Review status: criteria provided, single submitter. Criteria: Athena Diagnostics Criteria. Collection method: clinical testing. Allele origin: unknown.

Eurofins Ntd Llc (ga)
Classification: Uncertain significance. Last evaluated: 2015-01-30. Review status: criteria provided, single submitter. Criteria: EGL Classification Definitions 2015. Collection method: clinical testing. Allele origin: germline. Observed: 2 variant alleles, 2 heterozygotes.

PreventionGenetics, part of Exact Sciences
Classification: Likely benign for MAGI2-related condition. Last evaluated: 2022-07-14. Review status: no assertion criteria provided. Collection method: clinical testing. Allele origin: germline. Not counted in ClinVar's aggregate classification.
Comment: This variant is classified as likely benign based on ACMG/AMP sequence variant interpretation guidelines (Richards et al. 2015 PMID: 25741868, with internal and published modifications).